The following is an entry in ClinVar:

ClinVar aggregate classification (germline): Uncertain significance (1 of 4 stars; one submission).

Allele frequency attached by ClinVar (database versions not stated): gnomAD exomes below 0.00001.
gnomAD v4.1: 1 of 1,614,006 alleles (0.000062%); highest among the groups gnomAD compares: South Asian, 0.0011%; no homozygotes.

Submission:

Labcorp Genetics (formerly Invitae), Labcorp
Classification: Uncertain significance. Last evaluated: 2022-03-01. Review status: criteria provided, single submitter. Criteria: Invitae Variant Classification Sherloc (09022015). Collection method: clinical testing. Allele origin: germline.
Comment: In summary, the available evidence is currently insufficient to determine the role of this variant in disease. Therefore, it has been classified as a Variant of Uncertain Significance. This sequence change replaces proline, which is neutral and non-polar, with leucine, which is neutral and non-polar, at codon 365 of the DNAJC21 protein (p.Pro365Leu). This variant is not present in population databases (gnomAD no frequency). This variant has not been reported in the literature in individuals affected with DNAJC21-related conditions. Algorithms developed to predict the effect of missense changes on protein structure and function output the following: SIFT: "Tolerated"; PolyPhen-2: "Benign"; Align-GVGD: "Class C0". The leucine amino acid residue is found in multiple mammalian species, which suggests that this missense change does not adversely affect protein function.

NM_001012339.3(DNAJC21):c.1094C>T (p.Pro365Leu)

Gene: DNAJC21 (DnaJ heat shock protein family (Hsp40) member C21; plus strand). Cytogenetic location: 5p13.2.
Variant type: single nucleotide variant.
Coding change: c.1094C>T on transcript NM_001012339.3 (MANE Select); coding-DNA position 1094, C replaced by T.
Protein change: p.Pro365Leu; replaces proline 365 with leucine.
Molecular consequence: missense variant.
Genome position (GRCh38, 1-based): chr5:34,944,977, C>T. VCF-style: chr5-34944977-C-T. GRCh37 (hg19) VCF-style: chr5-34945082-C-T.
Other names: c.1094C>T, p.Pro365Leu (NM_001348420.2, NM_194283.4); short protein forms P365L.
Identifiers: ClinVar variation 2098740 (VCV002098740.4), dbSNP rs2480632083, ClinGen allele CA359418801.